The following is an entry in ClinVar:

ClinVar aggregate classification (germline): Pathogenic. Review status: criteria provided, multiple submitters, no conflicts (2 of 4 stars). 2 submissions from 2 submitters: Pathogenic (2). Last evaluated 2024-01-06.

Conditions:
Hereditary cancer-predisposing syndrome. Also called: Hereditary Cancer Syndrome; Hereditary neoplastic syndrome; Neoplastic Syndromes, Hereditary; Tumor predisposition. Identifiers: Orphanet 140162, MedGen C0027672, MeSH D009386, MONDO:0015356.
Familial cancer of breast. Also called: BREAST CANCER, FAMILIAL; Hereditary breast cancer; hereditary breast carcinoma. Identifiers: Orphanet 227535, MedGen C0346153, MONDO:0016419, OMIM 114480. Disease mechanism: loss of function.

Submissions (2):

Labcorp Genetics (formerly Invitae), Labcorp
Classification: Pathogenic for Familial cancer of breast. Last evaluated: 2024-01-06. Review status: criteria provided, single submitter. Criteria: Invitae Variant Classification Sherloc (09022015). Collection method: clinical testing. Allele origin: germline.
Comment: This sequence change creates a premature translational stop signal (p.Leu481*) in the CHEK2 gene. It is expected to result in an absent or disrupted protein product. Loss-of-function variants in CHEK2 are known to be pathogenic (PMID: 21876083, 24713400). This variant is not present in population databases (gnomAD no frequency). This variant has not been reported in the literature in individuals affected with CHEK2-related conditions. ClinVar contains an entry for this variant (Variation ID: 1772719). For these reasons, this variant has been classified as Pathogenic.

Ambry Genetics
Classification: Pathogenic for Hereditary cancer-predisposing syndrome. Last evaluated: 2022-03-07. Review status: criteria provided, single submitter. Criteria: Ambry Variant Classification Scheme 2023. Collection method: clinical testing. Allele origin: germline.
Comment: The c.1442_1443delTA pathogenic mutation, located in coding exon 12 of the CHEK2 gene, results from a deletion of two nucleotides at nucleotide positions 1442 to 1443, causing a translational frameshift with a predicted alternate stop codon (p.L481*). This variant was reported in 1/60,466 breast cancer cases and in 0/53,461 controls (Dorling et al. N Engl J Med. 2021 02;384:428-439). ( et al. N Engl J Med, 2021 02;384:428-439). This variant is considered to be rare based on population cohorts in the Genome Aggregation Database (gnomAD). In addition to the clinical data presented in the literature, this alteration is expected to result in loss of function by premature protein truncation or nonsense-mediated mRNA decay. As such, this alteration is interpreted as a disease-causing mutation.

Literature cited by the submitters: PubMed 21876083 (cited by Labcorp Genetics (formerly Invitae), Labcorp); PubMed 24713400 (cited by Labcorp Genetics (formerly Invitae), Labcorp); PubMed 33471991 (cited by Ambry Genetics).

NM_007194.4(CHEK2):c.1442_1443del (p.Ala480_Leu481insTer)

Gene: CHEK2 (checkpoint kinase 2; minus strand). Cytogenetic location: 22q12.1.
Variant type: Deletion.
Coding change: c.1442_1443del on transcript NM_007194.4 (MANE Select); coding-DNA positions 1442 to 1443, 2 bases deleted (TA; older notation c.1442_1443delTA).
Protein change: p.Ala480_Leu481insTer.
Molecular consequence: nonsense. On other transcripts: frameshift variant (4).
Genome position (GRCh38, 1-based): chr22:28,694,050-28,694,051, TA deleted on the plus strand (TA on the coding strand, the reverse complement: CHEK2 is on the minus strand). VCF-style (leftmost placement, unchanged base first): chr22-28694049-TTA-T. GRCh37 (hg19) VCF-style: chr22-29090037-TTA-T.
Other names: c.1571_1572delTA, p.Leu524Terfs (NM_001005735.3); c.779_780delTA, p.Leu260Terfs (NM_001257387.3); c.1241_1242delTA, p.Leu414Terfs (NM_001349956.3); c.1355_1356delTA, p.Leu452Terfs (NM_145862.3).
Identifiers: ClinVar variation 1772719 (VCV001772719.5), dbSNP rs2517786697, ClinGen allele CA2580099368.